The following is an entry in ClinVar:

ClinVar aggregate classification (germline): Uncertain significance (1 of 4 stars; one submission).

gnomAD v4.1: 24 of 1,613,888 alleles (0.0015%); highest among the groups gnomAD compares: Non-Finnish European, 0.002%; no homozygotes.

Submission:

Women's Health and Genetics/Laboratory Corporation of America, LabCorp
Classification: Uncertain significance. Last evaluated: 2024-07-11. Review status: criteria provided, single submitter. Criteria: LabCorp Variant Classification Summary - May 2015. Collection method: clinical testing. Allele origin: germline.
Comment: Variant summary: BCHE c.370A>T (p.Asn124Tyr) results in a non-conservative amino acid change located in the Carboxylesterase, type B domain (IPR002018) of the encoded protein sequence. Five of five in-silico tools predict a damaging effect of the variant on protein function. The variant was absent in 250994 control chromosomes. The available data on variant occurrences in the general population are insufficient to allow any conclusion about variant significance. c.370A>T has been reported in the literature in at least one individual affected with post-anesthetic apnea due to Deficiency Of Butyrylcholine Esterase (Yen_2003). These report(s) do not provide unequivocal conclusions about association of the variant with Deficiency Of Butyrylcholine Esterase. To our knowledge, no experimental evidence demonstrating an impact on protein function has been reported. The following publication has been ascertained in the context of this evaluation (PMID: 12881446). No submitters have cited clinical-significance assessments for this variant to ClinVar. Based on the evidence outlined above, the variant was classified as uncertain significance.

Literature cited by the submitters: PubMed 12881446.

NM_000055.4(BCHE):c.370A>T (p.Asn124Tyr)

Gene: BCHE (butyrylcholinesterase; minus strand). Cytogenetic location: 3q26.1.
Variant type: single nucleotide variant.
Coding change: c.370A>T on transcript NM_000055.4 (MANE Select); coding-DNA position 370, A replaced by T.
Protein change: p.Asn124Tyr; replaces asparagine 124 with tyrosine.
Molecular consequence: missense variant. On other transcripts: non-coding transcript variant (1).
Genome position (GRCh38, 1-based): chr3:165,830,664, T>A on the plus strand (A>T on the coding strand, the complement: BCHE is on the minus strand). VCF-style: chr3-165830664-T-A. GRCh37 (hg19) VCF-style: chr3-165548452-T-A.
Other names: short protein forms N124Y.
Identifiers: ClinVar variation 3338951 (VCV003338951.1).
Genomic context (GRCh38, chr3:165,830,664, plus strand): 5'-CACCATAAATCCATATCAATACAGTGGCATTTTTTGGTTTAGGTGCTGGAATCCATACAT[T>A]TAGATATAAACAGTCTTCACTGAGGTCAGTGTTTGGGTTCCACATCTCTGATCCATGGAA-3'
Protein context (NP_000046.1, residues 114-134): TDLSEDCLYL[Asn124Tyr]VWIPAPKPKN